The following is an entry in ClinVar:

NM_006231.4(POLE):c.4039C>G (p.Leu1347Val)

Gene: POLE (DNA polymerase epsilon, catalytic subunit; minus strand). Cytogenetic location: 12q24.33.
Variant type: single nucleotide variant.
Coding change: c.4039C>G on transcript NM_006231.4 (MANE Select); coding-DNA position 4039, C replaced by G.
Protein change: p.Leu1347Val; replaces leucine 1347 with valine.
Molecular consequence: missense variant.
Genome position (GRCh38, 1-based): chr12:132,649,039, G>C on the plus strand (C>G on the coding strand, the complement: POLE is on the minus strand). VCF-style: chr12-132649039-G-C. GRCh37 (hg19) VCF-style: chr12-133225625-G-C.
Other names: c.4039C>G (NM_006231.2); short protein forms L1347V.
Identifiers: ClinVar variation 960727 (VCV000960727.9), dbSNP rs999490184, ClinGen allele CA246307916.

ClinVar aggregate classification (germline): Conflicting classifications of pathogenicity. Review status: criteria provided, conflicting classifications (1 of 4 stars). 2 submissions from 2 submitters: Uncertain significance (1); Likely benign (1). Last evaluated 2025-08-20.

Conditions:
Hereditary cancer-predisposing syndrome. Also called: Tumor predisposition; Hereditary neoplastic syndrome; Neoplastic Syndromes, Hereditary; Hereditary Cancer Syndrome. Identifiers: Orphanet 140162, MedGen C0027672, MeSH D009386, MONDO:0015356.

Allele frequency attached by ClinVar (database versions not stated): TOPMed 0.00001.

Submissions (2):

Ambry Genetics
Classification: Likely benign for Hereditary cancer-predisposing syndrome. Last evaluated: 2025-08-20. Review status: criteria provided, single submitter. Criteria: Ambry Variant Classification Scheme 2023. Collection method: clinical testing. Allele origin: germline.

Labcorp Genetics (formerly Invitae), Labcorp
Classification: Uncertain significance. Last evaluated: 2022-02-21. Review status: criteria provided, single submitter. Criteria: Invitae Variant Classification Sherloc (09022015). Collection method: clinical testing. Allele origin: germline.
Comment: This variant is not present in population databases (gnomAD no frequency). This sequence change replaces leucine, which is neutral and non-polar, with valine, which is neutral and non-polar, at codon 1347 of the POLE protein (p.Leu1347Val). This variant has not been reported in the literature in individuals affected with POLE-related conditions. ClinVar contains an entry for this variant (Variation ID: 960727). Algorithms developed to predict the effect of missense changes on protein structure and function output the following: SIFT: "Tolerated"; PolyPhen-2: "Benign"; Align-GVGD: "Class C0". The valine amino acid residue is found in multiple mammalian species, which suggests that this missense change does not adversely affect protein function. Algorithms developed to predict the effect of sequence changes on RNA splicing suggest that this variant may create or strengthen a splice site. In summary, the available evidence is currently insufficient to determine the role of this variant in disease. Therefore, it has been classified as a Variant of Uncertain Significance.